The following is an entry in ClinVar:

NM_024675.4(PALB2):c.2055A>C (p.Lys685Asn)

Gene: PALB2 (partner and localizer of BRCA2; minus strand). Cytogenetic location: 16p12.2.
Variant type: single nucleotide variant.
Coding change: c.2055A>C on transcript NM_024675.4 (MANE Select); coding-DNA position 2055, A replaced by C.
Protein change: p.Lys685Asn; replaces lysine 685 with asparagine.
Molecular consequence: missense variant.
Genome position (GRCh38, 1-based): chr16:23,630,099, T>G on the plus strand (A>C on the coding strand, the complement: PALB2 is on the minus strand). VCF-style: chr16-23630099-T-G. GRCh37 (hg19) VCF-style: chr16-23641420-T-G.
Other names: c.1995A>C, p.Lys665Asn (NM_001407296.1); c.2055A>C, p.Lys685Asn (NM_001407297.1, NM_001407298.1, NM_001407299.1 and 3 more transcripts); c.1170A>C, p.Lys390Asn (NM_001407304.1, NM_001407305.1, NM_001407306.1 and 5 more transcripts); c.267A>C, p.Lys89Asn (NM_001407312.1, NM_001407313.1); short protein forms K390N, K665N, K685N, K89N.
Identifiers: ClinVar variation 1713725 (VCV001713725.5), dbSNP rs1597090304, ClinGen allele CA395126792.

ClinVar aggregate classification (germline): Uncertain significance (1 of 4 stars; one submission).

Conditions:
Familial cancer of breast. Also called: Hereditary breast cancer; BREAST CANCER, FAMILIAL; hereditary breast carcinoma. Identifiers: Orphanet 227535, MedGen C0346153, MONDO:0016419, OMIM 114480. Disease mechanism: loss of function.

Submission:

Labcorp Genetics (formerly Invitae), Labcorp
Classification: Uncertain significance for Familial cancer of breast. Last evaluated: 2022-07-25. Review status: criteria provided, single submitter. Criteria: Invitae Variant Classification Sherloc (09022015). Collection method: clinical testing. Allele origin: germline.
Comment: This variant has not been reported in the literature in individuals affected with PALB2-related conditions. In summary, the available evidence is currently insufficient to determine the role of this variant in disease. Therefore, it has been classified as a Variant of Uncertain Significance. Algorithms developed to predict the effect of missense changes on protein structure and function (SIFT, PolyPhen-2, Align-GVGD) all suggest that this variant is likely to be tolerated. This variant is not present in population databases (gnomAD no frequency). This sequence change replaces lysine, which is basic and polar, with asparagine, which is neutral and polar, at codon 685 of the PALB2 protein (p.Lys685Asn).